The following is an entry in ClinVar:

NM_173630.4(RTTN):c.841+6T>G

Gene: RTTN (rotatin; minus strand). Cytogenetic location: 18q22.2.
Variant type: single nucleotide variant.
Coding change: c.841+6T>G on transcript NM_173630.4 (MANE Select); 6 bases into the intron after coding-DNA position 841, T replaced by G.
Molecular consequence: intron variant.
Genome position (GRCh38, 1-based): chr18:70,196,495, A>C on the plus strand (T>G on the coding strand, the complement: RTTN is on the minus strand). VCF-style: chr18-70196495-A-C. GRCh37 (hg19) VCF-style: chr18-67863731-A-C.
Other names: c.-1713+6T>G (NM_001318520.2).
Identifiers: ClinVar variation 3040057 (VCV003040057.2), dbSNP rs527520098, ClinGen allele CA2576525611.

ClinVar aggregate classification (germline): Likely benign (0 of 4 stars; one submission).

Conditions:
RTTN-related disorder. Also called: RTTN-related condition.

Submission:

PreventionGenetics, part of Exact Sciences
Classification: Likely benign for RTTN-related condition. Last evaluated: 2020-01-03. Review status: no assertion criteria provided. Collection method: clinical testing. Allele origin: germline.
Comment: This variant is classified as likely benign based on ACMG/AMP sequence variant interpretation guidelines (Richards et al. 2015 PMID: 25741868, with internal and published modifications).